The following is an entry in ClinVar:

NM_000059.4(BRCA2):c.6502G>A (p.Gly2168Arg)

Gene: BRCA2 (BRCA2 DNA repair associated; plus strand). Cytogenetic location: 13q13.1.
Variant type: single nucleotide variant.
Coding change: c.6502G>A on transcript NM_000059.4 (MANE Select); coding-DNA position 6502, G replaced by A.
Protein change: p.Gly2168Arg; replaces glycine 2168 with arginine.
Molecular consequence: missense variant. On other transcripts: non-coding transcript variant (1), intron variant (2).
Genome position (GRCh38, 1-based): chr13:32,340,857, G>A. VCF-style: chr13-32340857-G-A. GRCh37 (hg19) VCF-style: chr13-32914994-G-A.
Other names: c.6502G>A, p.Gly2168Arg (NM_001406719.1, NM_001406720.1, NM_001432077.1); c.1910-3701G>A (NM_001406721.1); c.425-3701G>A (NM_001406722.1); short protein forms G2168R.
Identifiers: ClinVar variation 3687944 (VCV003687944.3).

ClinVar aggregate classification (germline): Uncertain significance. Review status: criteria provided, multiple submitters, no conflicts (2 of 4 stars). 2 submissions from 2 submitters: Uncertain significance (2). Last evaluated 2025-08-01.

Conditions:
Hereditary breast ovarian cancer syndrome. Also called: Hereditary breast and ovarian cancer syndrome (HBOC); BRCA1- and BRCA2-Associated Hereditary Breast and Ovarian Cancer; Breast and ovarian cancer; Hereditary breast and ovarian cancer; Hereditary breast and ovarian cancer syndrome; Hereditary breast and/or ovarian cancer syndrome. Identifiers: Orphanet 145, MedGen C0677776, MeSH D061325, MONDO:0003582. Disease mechanism: loss of function.
Hereditary cancer-predisposing syndrome. Also called: Tumor predisposition; Neoplastic Syndromes, Hereditary; Hereditary Cancer Syndrome; Hereditary neoplastic syndrome. Identifiers: Orphanet 140162, MedGen C0027672, MeSH D009386, MONDO:0015356.

gnomAD v4.1: 4 of 1,599,122 alleles (0.00025%); highest among the groups gnomAD compares: South Asian, 0.0046%; no homozygotes.

Submissions (2):

Ambry Genetics
Classification: Uncertain significance for Hereditary cancer-predisposing syndrome. Last evaluated: 2025-08-01. Review status: criteria provided, single submitter. Criteria: Ambry Variant Classification Scheme 2023. Collection method: clinical testing. Allele origin: germline.
Comment: The p.G2168R variant (also known as c.6502G>A), located in coding exon 10 of the BRCA2 gene, results from a G to A substitution at nucleotide position 6502. The glycine at codon 2168 is replaced by arginine, an amino acid with dissimilar properties. This amino acid position is not well conserved in available vertebrate species. In addition, the in silico prediction for this alteration is inconclusive. Based on the available evidence, the clinical significance of this variant remains unclear.

Labcorp Genetics (formerly Invitae), Labcorp
Classification: Uncertain significance for Hereditary breast ovarian cancer syndrome. Last evaluated: 2025-01-27. Review status: criteria provided, single submitter. Criteria: Invitae Variant Classification Sherloc (09022015). Collection method: clinical testing. Allele origin: germline.
Comment: This sequence change replaces glycine, which is neutral and non-polar, with arginine, which is basic and polar, at codon 2168 of the BRCA2 protein (p.Gly2168Arg). This variant is not present in population databases (gnomAD no frequency). This variant has not been reported in the literature in individuals affected with BRCA2-related conditions. Invitae Evidence Modeling of protein sequence and biophysical properties (such as structural, functional, and spatial information, amino acid conservation, physicochemical variation, residue mobility, and thermodynamic stability) indicates that this missense variant is not expected to disrupt BRCA2 protein function with a negative predictive value of 95%. In summary, the available evidence is currently insufficient to determine the role of this variant in disease. Therefore, it has been classified as a Variant of Uncertain Significance.